The following is an entry in ClinVar:

ClinVar aggregate classification (germline): Benign/Likely benign. Review status: criteria provided, multiple submitters, no conflicts (2 of 4 stars). 3 submissions from 3 submitters: Benign (1); Likely benign (2). Last evaluated 2025-07-22.

Conditions:
Hereditary cancer-predisposing syndrome. Also called: Hereditary Cancer Syndrome; Neoplastic Syndromes, Hereditary; Hereditary neoplastic syndrome; Tumor predisposition. Identifiers: Orphanet 140162, MedGen C0027672, MeSH D009386, MONDO:0015356.
Birt-Hogg-Dube syndrome. Also called: Birt Hogg Dubé syndrome. Identifiers: Orphanet 122, MedGen C0346010, MONDO:0800444.
Birt-Hogg-Dube syndrome 1 (BHD1). Also called: FIBROFOLLICULOMAS WITH TRICHODISCOMAS AND ACROCHORDONS. Identifiers: Orphanet 122, MedGen CN375946, MONDO:0800445, OMIM 135150.

Submissions (3):

Labcorp Genetics (formerly Invitae), Labcorp
Classification: Likely benign for Birt-Hogg-Dube syndrome. Last evaluated: 2025-07-22. Review status: criteria provided, single submitter. Criteria: Invitae Variant Classification Sherloc (09022015). Collection method: clinical testing. Allele origin: germline.

Myriad Genetics, Inc.
Classification: Benign for Birt-Hogg-Dube syndrome 1. Last evaluated: 2024-10-23. Review status: criteria provided, single submitter. Criteria: Myriad Autosomal Dominant, Autosomal Recessive and X-Linked Classification Criteria (2023). Collection method: clinical testing. Allele origin: unknown.
Comment: This variant is considered benign. This variant is a silent/synonymous amino acid change and it is not expected to impact splicing.

Ambry Genetics
Classification: Likely benign for Hereditary cancer-predisposing syndrome. Last evaluated: 2019-01-21. Review status: criteria provided, single submitter. Criteria: Ambry Variant Classification Scheme 2023. Collection method: clinical testing. Allele origin: germline.

NM_144997.7(FLCN):c.867C>G (p.Leu289=)

Gene: FLCN (folliculin; minus strand). Cytogenetic location: 17p11.2.
Variant type: single nucleotide variant.
Coding change: c.867C>G on transcript NM_144997.7 (MANE Select); coding-DNA position 867, C replaced by G.
Protein change: p.Leu289=; no amino-acid change (leucine 289 retained).
Molecular consequence: synonymous variant.
Genome position (GRCh38, 1-based): chr17:17,221,541, G>C on the plus strand (C>G on the coding strand, the complement: FLCN is on the minus strand). VCF-style: chr17-17221541-G-C. GRCh37 (hg19) VCF-style: chr17-17124855-G-C.
Other names: c.921C>G, p.Leu307= (NM_001353229.2); c.867C>G, p.Leu289= (NM_001353230.2, NM_001353231.2, NM_144606.7).
Identifiers: ClinVar variation 822652 (VCV000822652.12), dbSNP rs367562964, ClinGen allele CA498163729.